The following is an entry in ClinVar:

NM_198578.4(LRRK2):c.6259G>C (p.Glu2087Gln)

Gene: LRRK2 (leucine rich repeat kinase 2; plus strand). Cytogenetic location: 12q12.
Variant type: single nucleotide variant.
Coding change: c.6259G>C on transcript NM_198578.4 (MANE Select); coding-DNA position 6259, G replaced by C.
Protein change: p.Glu2087Gln; replaces glutamic acid 2087 with glutamine.
Molecular consequence: missense variant.
Genome position (GRCh38, 1-based): chr12:40,346,902, G>C. VCF-style: chr12-40346902-G-C. GRCh37 (hg19) VCF-style: chr12-40740704-G-C.
Other names: short protein forms E2087Q.
Identifiers: ClinVar variation 3540659 (VCV003540659.1).

ClinVar aggregate classification (germline): Uncertain significance (1 of 4 stars; one submission).

Conditions:
Inborn genetic diseases. Identifiers: MedGen C0950123, MeSH D030342.

Submission:

Ambry Genetics
Classification: Uncertain significance for Inborn genetic diseases. Last evaluated: 2024-09-04. Review status: criteria provided, single submitter. Criteria: Ambry Variant Classification Scheme 2023. Collection method: clinical testing. Allele origin: germline.
Comment: The p.E2087Q variant (also known as c.6259G>C), located in coding exon 42 of the LRRK2 gene, results from a G to C substitution at nucleotide position 6259. The glutamic acid at codon 2087 is replaced by glutamine, an amino acid with highly similar properties. This amino acid position is conserved. In addition, the in silico prediction for this alteration is inconclusive. Based on the available evidence, the clinical significance of this variant remains unclear.